The following is an entry in ClinVar:

ClinVar aggregate classification (germline): Benign/Likely benign. Review status: criteria provided, multiple submitters, no conflicts (2 of 4 stars). 5 submissions from 5 submitters: Benign (2); Likely benign (3). Last evaluated 2026-03-01.

Conditions:
Inborn genetic diseases. Identifiers: MedGen C0950123, MeSH D030342.
Multiple congenital anomalies-hypotonia-seizures syndrome 1 (MCAHS1). Also called: GLYCOSYLPHOSPHATIDYLINOSITOL BIOSYNTHESIS DEFECT 3; PIGN-CDG; Congenital disorder of glycosylation due to PIGN deficiency. Identifiers: Orphanet 280633, MedGen C3279775, MONDO:0013563, OMIM 614080.

Allele frequency attached by ClinVar (database versions not stated): gnomAD exomes 0.00029 and 0.00070; gnomAD 0.00291 and 0.00276; ESP Exome Variant Server 0.00296; TOPMed 0.00306; 1000 Genomes Project 0.00319; 1000 Genomes Project 30x 0.00359; ExAC 0.00083.
gnomAD v4.1: 843 of 1,550,590 alleles (0.054%); highest among the groups gnomAD compares: African/African-American, 0.98%; 7 homozygotes.

Submissions (5):

CeGaT Center for Human Genetics Tuebingen
Classification: Likely benign. Last evaluated: 2026-03-01. Review status: criteria provided, single submitter. Criteria: CeGaT Center For Human Genetics Tuebingen Variant Classification Criteria Version 2. Collection method: clinical testing. Allele origin: germline. Affected: yes. Observed: 3 variant alleles.
Comment: PIGN: BP4, BP7

Labcorp Genetics (formerly Invitae), Labcorp
Classification: Benign for Multiple congenital anomalies-hypotonia-seizures syndrome 1. Last evaluated: 2026-02-03. Review status: criteria provided, single submitter. Criteria: Invitae Variant Classification Sherloc (09022015). Collection method: clinical testing. Allele origin: germline.

Blueprint Genetics
Classification: Likely benign. Last evaluated: 2024-10-02. Review status: criteria provided, single submitter. Criteria: ACMG Guidelines, 2015. Collection method: clinical testing. Allele origin: germline.

GeneDx
Classification: Benign. Last evaluated: 2018-10-02. Review status: criteria provided, single submitter. Criteria: GeneDx Variant Classification Process June 2021. Collection method: clinical testing. Allele origin: germline. Affected: yes.

Ambry Genetics
Classification: Likely benign for Inborn genetic diseases. Last evaluated: 2016-06-28. Review status: criteria provided, single submitter. Criteria: Ambry Variant Classification Scheme 2023. Collection method: clinical testing. Allele origin: germline.

NM_176787.5(PIGN):c.528G>A (p.Thr176=)

Gene: PIGN (phosphatidylinositol glycan anchor biosynthesis class N; minus strand). Cytogenetic location: 18q21.33.
Variant type: single nucleotide variant.
Coding change: c.528G>A on transcript NM_176787.5 (MANE Select); coding-DNA position 528, G replaced by A.
Protein change: p.Thr176=; no amino-acid change (threonine 176 retained).
Molecular consequence: synonymous variant.
Genome position (GRCh38, 1-based): chr18:62,154,566, C>T on the plus strand (G>A on the coding strand, the complement: PIGN is on the minus strand). VCF-style: chr18-62154566-C-T. GRCh37 (hg19) VCF-style: chr18-59821799-C-T.
Other names: c.528G>A, p.Thr176= (NM_012327.6).
Identifiers: ClinVar variation 472233 (VCV000472233.42), dbSNP rs144304758, ClinGen allele CA8982562.